The following is an entry in ClinVar:

ClinVar aggregate classification (germline): Likely benign. Review status: criteria provided, multiple submitters, no conflicts (2 of 4 stars). 2 submissions from 2 submitters: Likely benign (2). Last evaluated 2024-08-01.

Allele frequency attached by ClinVar (database versions not stated): TOPMed below 0.00001; gnomAD exomes 0.00001.
gnomAD v4.1: 8 of 1,614,018 alleles (0.0005%); highest among the groups gnomAD compares: Non-Finnish European, 0.00068%; no homozygotes.

Submissions (2):

CeGaT Center for Human Genetics Tuebingen
Classification: Likely benign. Last evaluated: 2024-08-01. Review status: criteria provided, single submitter. Criteria: CeGaT Center For Human Genetics Tuebingen Variant Classification Criteria Version 2. Collection method: clinical testing. Allele origin: germline. Affected: yes. Observed: 1 variant allele.
Comment: TNFAIP3: BP4

Labcorp Genetics (formerly Invitae), Labcorp
Classification: Likely benign. Last evaluated: 2021-07-12. Review status: criteria provided, single submitter. Criteria: Invitae Variant Classification Sherloc (09022015). Collection method: clinical testing. Allele origin: germline.

NM_001270508.2(TNFAIP3):c.279G>C (p.Val93=)

Gene: TNFAIP3 (TNF alpha induced protein 3; plus strand). Cytogenetic location: 6q23.3.
Variant type: single nucleotide variant.
Coding change: c.279G>C on transcript NM_001270508.2 (MANE Select); coding-DNA position 279, G replaced by C.
Protein change: p.Val93=; no amino-acid change (valine 93 retained).
Molecular consequence: synonymous variant.
Genome position (GRCh38, 1-based): chr6:137,871,506, G>C. VCF-style: chr6-137871506-G-C. GRCh37 (hg19) VCF-style: chr6-138192643-G-C.
Other names: c.279G>C, p.Val93= (NM_001270507.2, NM_006290.4).
Identifiers: ClinVar variation 1571104 (VCV001571104.24), dbSNP rs1253044936, ClinGen allele CA452240447.